The following is an entry in ClinVar:

ClinVar aggregate classification (germline): Benign. Review status: criteria provided, multiple submitters, no conflicts (2 of 4 stars). 4 submissions from 4 submitters: Benign (3). 1 of the submissions does not count toward it. Last evaluated 2026-01-27.

Conditions:
ACY1-related disorder. Also called: ACY1-related condition.

Allele frequency attached by ClinVar (database versions not stated): gnomAD 0.00509 and 0.00525; ExAC 0.00558; gnomAD exomes 0.00737 and 0.00556; ESP Exome Variant Server 0.00507; TOPMed 0.00557; 1000 Genomes Project 0.00319; 1000 Genomes Project 30x 0.00312.
gnomAD v4.1: 11,482 of 1,614,194 alleles (0.71%); highest among the groups gnomAD compares: Non-Finnish European, 0.84%; 63 homozygotes.

Submissions (4):

Labcorp Genetics (formerly Invitae), Labcorp
Classification: Benign. Last evaluated: 2026-01-27. Review status: criteria provided, single submitter. Criteria: Invitae Variant Classification Sherloc (09022015). Collection method: clinical testing. Allele origin: germline.

Mayo Clinic Laboratories, Mayo Clinic
Classification: Benign. Last evaluated: 2022-06-13. Review status: criteria provided, single submitter. Criteria: ACMG Guidelines, 2015. Collection method: clinical testing. Allele origin: germline. Observed: 4 variant alleles.
Comment: BS1, BS2, BP4, BP7

Breakthrough Genomics
Classification: Benign. Review status: criteria provided, single submitter. Criteria: ACMG Guidelines, 2015. Collection method: not provided. Allele origin: germline. Inheritance: Autosomal recessive inheritance. Affected: yes.

PreventionGenetics, part of Exact Sciences
Classification: Benign for ACY1-related condition. Last evaluated: 2024-05-28. Review status: no assertion criteria provided. Collection method: clinical testing. Allele origin: germline. Not counted in ClinVar's aggregate classification.
Comment: This variant is classified as benign based on ACMG/AMP sequence variant interpretation guidelines (Richards et al. 2015 PMID: 25741868, with internal and published modifications).

NM_000666.3(ACY1):c.1062+10T>C

Genes: ABHD14A-ACY1 (ABHD14A-ACY1 readthrough; plus strand), ACY1 (aminoacylase 1; plus strand). Cytogenetic location: 3p21.2.
Variant type: single nucleotide variant.
Coding change: c.1062+10T>C on transcript NM_000666.3 (MANE Select); 10 bases into the intron after coding-DNA position 1062, T replaced by C.
Molecular consequence: intron variant.
Genome position (GRCh38, 1-based): chr3:51,988,836, T>C. VCF-style: chr3-51988836-T-C. GRCh37 (hg19) VCF-style: chr3-52022852-T-C.
Other names: p.?; c.1332+10T>C (NM_001316331.2); c.867+10T>C (NM_001198897.2); c.846+10T>C (NM_001198896.2); c.957+10T>C (NM_001198898.2); c.1062+10T>C (NM_001198895.2).
Identifiers: ClinVar variation 770349 (VCV000770349.13), dbSNP rs74974740, ClinGen allele CA2428737.
Genomic context (GRCh38, chr3:51,988,836, plus strand): 5'-CTGGAGCCTGAGATCATGCCTGCTGCCACTGACAACCGCTATATCCGCGCGGTGAGCCAC[T>C]TGCATATAGTGCCTGGGCAGTGGACTGGGCCTGAGTGCTGGCTTTTCCCTAACGGCTCTT-3'